The following is an entry in ClinVar:

ClinVar aggregate classification (germline): Uncertain significance (1 of 4 stars; one submission).

Conditions:
Arrhythmogenic right ventricular dysplasia 9 (ARVD9). Also called: Arrhythmogenic Right Ventricular Dysplasia/Cardiomyopathy 9; ARRHYTHMOGENIC RIGHT VENTRICULAR DYSPLASIA, FAMILIAL, 9. Identifiers: MedGen C1836906, MONDO:0012180, OMIM 609040.

Submission:

Labcorp Genetics (formerly Invitae), Labcorp
Classification: Uncertain significance for Arrhythmogenic right ventricular dysplasia 9. Last evaluated: 2024-04-25. Review status: criteria provided, single submitter. Criteria: Invitae Variant Classification Sherloc (09022015). Collection method: clinical testing. Allele origin: germline.
Comment: This sequence change replaces histidine, which is basic and polar, with glutamine, which is neutral and polar, at codon 78 of the PKP2 protein (p.His78Gln). This variant is not present in population databases (gnomAD no frequency). This variant has not been reported in the literature in individuals affected with PKP2-related conditions. An algorithm developed to predict the effect of missense changes on protein structure and function (PolyPhen-2) suggests that this variant is likely to be disruptive. In summary, the available evidence is currently insufficient to determine the role of this variant in disease. Therefore, it has been classified as a Variant of Uncertain Significance.

NM_001005242.3(PKP2):c.234C>G (p.His78Gln)

Gene: PKP2 (plakophilin 2; minus strand). Cytogenetic location: 12p11.21.
Variant type: single nucleotide variant.
Coding change: c.234C>G on transcript NM_001005242.3 (MANE Select); coding-DNA position 234, C replaced by G.
Protein change: p.His78Gln; replaces histidine 78 with glutamine.
Molecular consequence: missense variant. On other transcripts: 5 prime UTR variant (4).
Genome position (GRCh38, 1-based): chr12:32,879,022, G>C on the plus strand (C>G on the coding strand, the complement: PKP2 is on the minus strand). VCF-style: chr12-32879022-G-C. GRCh37 (hg19) VCF-style: chr12-33031956-G-C.
Other names: c.234C>G, p.His78Gln (NM_001407155.1, NM_001407156.1, NM_001407157.1 and 2 more transcripts); c.-94C>G (NM_001407158.1, NM_001407159.1, NM_001407160.1 and 1 more transcripts); short protein forms H78Q.
Identifiers: ClinVar variation 3692289 (VCV003692289.2).
Genomic context (GRCh38, chr12:32,879,022, plus strand): 5'-AACAAAATCATTTTCAACCAAGTGTAGGTTGTAGACATACTCAGGAACACTGCTGGTTCG[G>C]TGAAGATTTCCTGCAATCAAGCAAATATTAAAATAACTCAGAATACAAGTAGGCTAATTA-3'
Protein context (NP_001005242.2, residues 68-88): GRSSVGNGNL[His78Gln]RTSSVPEYVY